The following is an entry in ClinVar:

ClinVar aggregate classification (germline): Uncertain significance (1 of 4 stars; one submission).

Conditions:
Charcot-Marie-Tooth disease axonal type 2O. Also called: CHARCOT-MARIE-TOOTH NEUROPATHY, AXONAL, TYPE 2O; CHARCOT-MARIE-TOOTH DISEASE, AXONAL, AUTOSOMAL DOMINANT, TYPE 2O; Charcot-Marie-Tooth Neuropathy Type 2O; Charcot-Marie-Tooth disease, axonal, type 20. Identifiers: Orphanet 284232, MedGen C3280220, MONDO:0013644, OMIM 614228.

Submission:

Labcorp Genetics (formerly Invitae), Labcorp
Classification: Uncertain significance for Charcot-Marie-Tooth disease axonal type 2O. Last evaluated: 2022-03-15. Review status: criteria provided, single submitter. Criteria: Invitae Variant Classification Sherloc (09022015). Collection method: clinical testing. Allele origin: germline.
Comment: This sequence change replaces isoleucine, which is neutral and non-polar, with asparagine, which is neutral and polar, at codon 374 of the DYNC1H1 protein (p.Ile374Asn). This variant is not present in population databases (gnomAD no frequency). This variant has not been reported in the literature in individuals affected with DYNC1H1-related conditions. Advanced modeling of protein sequence and biophysical properties (such as structural, functional, and spatial information, amino acid conservation, physicochemical variation, residue mobility, and thermodynamic stability) performed at Invitae indicates that this missense variant is expected to disrupt DYNC1H1 protein function. In summary, the available evidence is currently insufficient to determine the role of this variant in disease. Therefore, it has been classified as a Variant of Uncertain Significance.

NM_001376.5(DYNC1H1):c.1121T>A (p.Ile374Asn)

Gene: DYNC1H1 (dynein cytoplasmic 1 heavy chain 1; plus strand). Cytogenetic location: 14q32.31.
Variant type: single nucleotide variant.
Coding change: c.1121T>A on transcript NM_001376.5 (MANE Select); coding-DNA position 1121, T replaced by A.
Protein change: p.Ile374Asn; replaces isoleucine 374 with asparagine.
Molecular consequence: missense variant.
Genome position (GRCh38, 1-based): chr14:101,983,178, T>A. VCF-style: chr14-101983178-T-A. GRCh37 (hg19) VCF-style: chr14-102449515-T-A.
Other names: short protein forms I374N.
Identifiers: ClinVar variation 2112297 (VCV002112297.4), dbSNP rs2503685689, ClinGen allele CA391013320.